The following is an entry in ClinVar:

NM_024334.3(TMEM43):c.237T>G (p.Ser79Arg)

Gene: TMEM43 (transmembrane protein 43; plus strand). Cytogenetic location: 3p25.1.
Variant type: single nucleotide variant.
Coding change: c.237T>G on transcript NM_024334.3 (MANE Select); coding-DNA position 237, T replaced by G.
Protein change: p.Ser79Arg; replaces serine 79 with arginine.
Molecular consequence: missense variant.
Genome position (GRCh38, 1-based): chr3:14,130,896, T>G. VCF-style: chr3-14130896-T-G. GRCh37 (hg19) VCF-style: chr3-14172396-T-G.
Other names: c.237T>G, p.Ser79Arg (NM_001407274.1, NM_001407275.1, NM_001407276.1 and 2 more transcripts); c.222T>G, p.Ser74Arg (NM_001407278.1); c.87T>G, p.Ser29Arg (NM_001407280.1); short protein forms S79R, S29R, S74R.
Identifiers: ClinVar variation 1790432 (VCV001790432.4), dbSNP rs1559360551, ClinGen allele CA351534629.

ClinVar aggregate classification (germline): Uncertain significance. Review status: criteria provided, multiple submitters, no conflicts (2 of 4 stars). 2 submissions from 2 submitters: Uncertain significance (2). Last evaluated 2024-02-25.

Conditions:
Cardiovascular phenotype. Identifiers: MedGen CN230736.
Arrhythmogenic right ventricular dysplasia 5. Also called: Arrhythmogenic Right Ventricular Dysplasia/Cardiomyopathy 5; ARRHYTHMOGENIC RIGHT VENTRICULAR DYSPLASIA, FAMILIAL, 5. Identifiers: MedGen C1858379, MONDO:0011459, OMIM 604400.

Submissions (2):

Labcorp Genetics (formerly Invitae), Labcorp
Classification: Uncertain significance for Arrhythmogenic right ventricular dysplasia 5. Last evaluated: 2024-02-25. Review status: criteria provided, single submitter. Criteria: Invitae Variant Classification Sherloc (09022015). Collection method: clinical testing. Allele origin: germline.
Comment: This sequence change replaces serine, which is neutral and polar, with arginine, which is basic and polar, at codon 79 of the TMEM43 protein (p.Ser79Arg). This variant is not present in population databases (gnomAD no frequency). This variant has not been reported in the literature in individuals affected with TMEM43-related conditions. ClinVar contains an entry for this variant (Variation ID: 1790432). Advanced modeling of protein sequence and biophysical properties (such as structural, functional, and spatial information, amino acid conservation, physicochemical variation, residue mobility, and thermodynamic stability) performed at Invitae indicates that this missense variant is not expected to disrupt TMEM43 protein function with a negative predictive value of 80%. In summary, the available evidence is currently insufficient to determine the role of this variant in disease. Therefore, it has been classified as a Variant of Uncertain Significance.

Ambry Genetics
Classification: Uncertain significance for Cardiovascular phenotype. Last evaluated: 2021-09-15. Review status: criteria provided, single submitter. Criteria: Ambry Variant Classification Scheme 2023. Collection method: clinical testing. Allele origin: germline.
Comment: The p.S79R variant (also known as c.237T>G), located in coding exon 3 of the TMEM43 gene, results from a T to G substitution at nucleotide position 237. The serine at codon 79 is replaced by arginine, an amino acid with dissimilar properties. This amino acid position is conserved. In addition, this alteration is predicted to be tolerated by in silico analysis. Since supporting evidence is limited at this time, the clinical significance of this alteration remains unclear.